The following is an entry in ClinVar:

ClinVar aggregate classification (germline): Uncertain significance. Review status: criteria provided, multiple submitters, no conflicts (2 of 4 stars). 3 submissions from 3 submitters: Uncertain significance (3). Last evaluated 2024-12-11.

Conditions:
Inborn genetic diseases. Identifiers: MedGen C0950123, MeSH D030342.

Allele frequency attached by ClinVar (database versions not stated): gnomAD exomes 0.00001; ExAC 0.00002; TOPMed 0.00005; gnomAD 0.00006; 1000 Genomes Project 30x 0.00016; 1000 Genomes Project 0.00020.
gnomAD v4.1: 21 of 1,613,600 alleles (0.0013%); highest among the groups gnomAD compares: African/African-American, 0.011%; no homozygotes.

Submissions (3):

Labcorp Genetics (formerly Invitae), Labcorp
Classification: Uncertain significance. Last evaluated: 2024-12-11. Review status: criteria provided, single submitter. Criteria: Invitae Variant Classification Sherloc (09022015). Collection method: clinical testing. Allele origin: germline.
Comment: This sequence change replaces arginine, which is basic and polar, with glutamine, which is neutral and polar, at codon 799 of the PDE6B protein (p.Arg799Gln). This variant is present in population databases (rs546425862, gnomAD 0.02%). This variant has not been reported in the literature in individuals affected with PDE6B-related conditions. ClinVar contains an entry for this variant (Variation ID: 951610). Invitae Evidence Modeling of protein sequence and biophysical properties (such as structural, functional, and spatial information, amino acid conservation, physicochemical variation, residue mobility, and thermodynamic stability) indicates that this missense variant is not expected to disrupt PDE6B protein function with a negative predictive value of 95%. In summary, the available evidence is currently insufficient to determine the role of this variant in disease. Therefore, it has been classified as a Variant of Uncertain Significance.

Ambry Genetics
Classification: Uncertain significance for Inborn genetic diseases. Last evaluated: 2024-08-20. Review status: criteria provided, single submitter. Criteria: Ambry Variant Classification Scheme 2023. Collection method: clinical testing. Allele origin: germline.

Blueprint Genetics
Classification: Uncertain significance. Last evaluated: 2023-09-26. Review status: criteria provided, single submitter. Criteria: ACMG Guidelines, 2015. Collection method: clinical testing. Allele origin: germline.

NM_000283.4(PDE6B):c.2396G>A (p.Arg799Gln)

Gene: PDE6B (phosphodiesterase 6B; plus strand). Cytogenetic location: 4p16.3.
Variant type: single nucleotide variant.
Coding change: c.2396G>A on transcript NM_000283.4 (MANE Select); coding-DNA position 2396, G replaced by A.
Protein change: p.Arg799Gln; replaces arginine 799 with glutamine.
Molecular consequence: missense variant.
Genome position (GRCh38, 1-based): chr4:667,899, G>A. VCF-style: chr4-667899-G-A. GRCh37 (hg19) VCF-style: chr4-661688-G-A.
Other names: c.2396G>A, p.Arg799Gln (NM_001145291.2); c.1559G>A, p.Arg520Gln (NM_001145292.2, NM_001350154.3, NM_001379246.1 and 1 more transcripts); c.1241G>A, p.Arg414Gln (NM_001350155.3); short protein forms R799Q, R414Q, R520Q.
Identifiers: ClinVar variation 951610 (VCV000951610.10), dbSNP rs546425862, ClinGen allele CA2795048.